The following is an entry in ClinVar:

ClinVar aggregate classification (germline): Uncertain significance. Review status: criteria provided, multiple submitters, no conflicts (2 of 4 stars). 3 submissions from 3 submitters: Uncertain significance (3). Last evaluated 2025-10-29.

Conditions:
Hereditary cancer-predisposing syndrome. Also called: Hereditary neoplastic syndrome; Tumor predisposition; Neoplastic Syndromes, Hereditary; Hereditary Cancer Syndrome. Identifiers: Orphanet 140162, MedGen C0027672, MeSH D009386, MONDO:0015356.
Familial thoracic aortic aneurysm and aortic dissection (TAAD). Also called: Thoracic aortic aneurysms and dissections. Identifiers: Orphanet 91387, MedGen C4707243, MONDO:0019625.
Juvenile polyposis syndrome (JPS). Identifiers: Orphanet 2929, MedGen C0345893, MONDO:0017380, OMIM 174900.
Juvenile polyposis/hereditary hemorrhagic telangiectasia syndrome (JPHT). Also called: Juvenile Polyposis Syndrome / Hereditary Hemorrhagic Telangiectasia (JPS/HHT); JP/HHT SYNDROME; JUVENILE POLYPOSIS WITH HEREDITARY HEMORRHAGIC TELANGIECTASIA; POLYPOSIS, GENERALIZED JUVENILE, WITH PULMONARY ARTERIOVENOUS MALFORMATION; TELANGIECTASIA, HEREDITARY HEMORRHAGIC, WITH JUVENILE POLYPOSIS COLI. Identifiers: Orphanet 2929, MedGen C1832942, MONDO:0008278, OMIM 175050.

Allele frequency attached by ClinVar (database versions not stated): gnomAD exomes below 0.00001 and 0.00001; TOPMed below 0.00001; ExAC 0.00001; gnomAD 0.00001.
gnomAD v4.1: 4 of 1,613,442 alleles (0.00025%); highest among the groups gnomAD compares: African/African-American, 0.0027%; no homozygotes.

Submissions (3):

Labcorp Genetics (formerly Invitae), Labcorp
Classification: Uncertain significance for Juvenile polyposis syndrome. Last evaluated: 2025-10-29. Review status: criteria provided, single submitter. Criteria: Invitae Variant Classification Sherloc (09022015). Collection method: clinical testing. Allele origin: germline.
Comment: This sequence change replaces glycine, which is neutral and non-polar, with serine, which is neutral and polar, at codon 286 of the SMAD4 protein (p.Gly286Ser). This variant is present in population databases (rs750111831, gnomAD 0.004%). This variant has not been reported in the literature in individuals affected with SMAD4-related conditions. ClinVar contains an entry for this variant (Variation ID: 529949). Invitae Evidence Modeling of protein sequence and biophysical properties (such as structural, functional, and spatial information, amino acid conservation, physicochemical variation, residue mobility, and thermodynamic stability) has been performed for this missense variant. However, the output from this modeling did not meet the statistical confidence thresholds required to predict the impact of this variant on SMAD4 protein function. In summary, the available evidence is currently insufficient to determine the role of this variant in disease. Therefore, it has been classified as a Variant of Uncertain Significance.

Baylor Genetics
Classification: Uncertain significance for Juvenile polyposis/hereditary hemorrhagic telangiectasia syndrome. Last evaluated: 2023-10-19. Review status: criteria provided, single submitter. Criteria: ACMG Guidelines, 2015. Collection method: clinical testing. Allele origin: unknown.

Ambry Genetics
Classification: Uncertain significance for Hereditary cancer-predisposing syndrome; Familial thoracic aortic aneurysm and aortic dissection. Last evaluated: 2022-09-27. Review status: criteria provided, single submitter. Criteria: Ambry Variant Classification Scheme 2023. Collection method: clinical testing. Allele origin: germline.
Comment: The p.G286S variant (also known as c.856G>A), located in coding exon 6 of the SMAD4 gene, results from a G to A substitution at nucleotide position 856. The glycine at codon 286 is replaced by serine, an amino acid with similar properties. This amino acid position is highly conserved in available vertebrate species. In addition, the in silico prediction for this alteration is inconclusive. Since supporting evidence is limited at this time, the clinical significance of this alteration remains unclear.

NM_005359.6(SMAD4):c.856G>A (p.Gly286Ser)

Gene: SMAD4 (SMAD family member 4; plus strand). Cytogenetic location: 18q21.2.
Variant type: single nucleotide variant.
Coding change: c.856G>A on transcript NM_005359.6 (MANE Select); coding-DNA position 856, G replaced by A.
Protein change: p.Gly286Ser; replaces glycine 286 with serine.
Molecular consequence: missense variant.
Genome position (GRCh38, 1-based): chr18:51,058,408, G>A. VCF-style: chr18-51058408-G-A. GRCh37 (hg19) VCF-style: chr18-48584778-G-A.
Other names: short protein forms G286S.
Identifiers: ClinVar variation 529949 (VCV000529949.12), dbSNP rs750111831, ClinGen allele CA8965911.